The following is an entry in ClinVar:

NM_020822.3(KCNT1):c.637G>A (p.Val213Ile)

Gene: KCNT1 (potassium sodium-activated channel subfamily T member 1; plus strand). Cytogenetic location: 9q34.3.
Variant type: single nucleotide variant.
Coding change: c.637G>A on transcript NM_020822.3 (MANE Select); coding-DNA position 637, G replaced by A.
Protein change: p.Val213Ile; replaces valine 213 with isoleucine.
Molecular consequence: missense variant.
Genome position (GRCh38, 1-based): chr9:135,757,192, G>A. VCF-style: chr9-135757192-G-A. GRCh37 (hg19) VCF-style: chr9-138649038-G-A.
Other names: c.493G>A, p.Val165Ile (NM_001272003.2); short protein forms V213I, V165I.
Identifiers: ClinVar variation 384598 (VCV000384598.13), dbSNP rs143536408, ClinGen allele CA5326579.

ClinVar aggregate classification (germline): Conflicting classifications of pathogenicity. Review status: criteria provided, conflicting classifications (1 of 4 stars). 4 submissions from 4 submitters: Uncertain significance (1); Likely benign (3). Last evaluated 2025-05-18.

Conditions:
Developmental and epileptic encephalopathy, 14 (DEE14). Also called: Early infantile epileptic encephalopathy 14. Identifiers: Orphanet 293181, MedGen C3554195, MONDO:0013989, OMIM 614959.
Autosomal dominant nocturnal frontal lobe epilepsy 5. Also called: KCNT1-Related Epilepsy; CILIARY DYSKINESIA, PRIMARY, 28, WITHOUT SITUS INVERSUS; CILIARY DYSKINESIA, PRIMARY, 28, WITH SITUS INVERSUS; Epilepsy, nocturnal frontal lobe, 5. Identifiers: Orphanet 98784, MedGen C3554306, MONDO:0014002, OMIM 615005.

Allele frequency attached by ClinVar (database versions not stated): gnomAD exomes 0.00004 and 0.00008; ExAC 0.00008; gnomAD 0.00018; TOPMed 0.00022; ESP Exome Variant Server 0.00046.
gnomAD v4.1: 81 of 1,607,604 alleles (0.005%); highest among the groups gnomAD compares: African/African-American, 0.052%; no homozygotes.

Submissions (4):

Labcorp Genetics (formerly Invitae), Labcorp
Classification: Likely benign for Autosomal dominant nocturnal frontal lobe epilepsy 5; Developmental and epileptic encephalopathy, 14. Last evaluated: 2025-05-18. Review status: criteria provided, single submitter. Criteria: Invitae Variant Classification Sherloc (09022015). Collection method: clinical testing. Allele origin: germline.

Blueprint Genetics
Classification: Likely benign. Last evaluated: 2024-03-09. Review status: criteria provided, single submitter. Criteria: ACMG Guidelines, 2015. Collection method: clinical testing. Allele origin: germline.

Athena Diagnostics
Classification: Uncertain significance. Last evaluated: 2016-08-26. Review status: criteria provided, single submitter. Criteria: Athena Diagnostics Criteria. Collection method: clinical testing. Allele origin: germline.

GeneDx
Classification: Likely benign. Last evaluated: 2016-03-23. Review status: criteria provided, single submitter. Criteria: GeneDx Variant Classification (06012015). Collection method: clinical testing. Allele origin: germline. Affected: yes.
Comment: This variant is considered likely benign or benign based on one or more of the following criteria: it is a conservative change, it occurs at a poorly conserved position in the protein, it is predicted to be benign by multiple in silico algorithms, and/or has population frequency not consistent with disease.